The following is an entry in ClinVar:

ClinVar aggregate classification (germline): Uncertain significance (1 of 4 stars; one submission).

Conditions:
Familial cancer of breast. Also called: BREAST CANCER, FAMILIAL; Hereditary breast cancer; hereditary breast carcinoma. Identifiers: Orphanet 227535, MedGen C0346153, MONDO:0016419, OMIM 114480. Disease mechanism: loss of function.

Allele frequency attached by ClinVar (database versions not stated): gnomAD exomes below 0.00001; ExAC 0.00001.

Submission:

Labcorp Genetics (formerly Invitae), Labcorp
Classification: Uncertain significance for Familial cancer of breast. Last evaluated: 2019-05-09. Review status: criteria provided, single submitter. Criteria: Invitae Variant Classification Sherloc (09022015). Collection method: clinical testing. Allele origin: germline.
Comment: This variant has not been reported in the literature in individuals with PALB2-related conditions. This sequence change replaces histidine with tyrosine at codon 83 of the PALB2 protein (p.His83Tyr). The histidine residue is weakly conserved and there is a moderate physicochemical difference between histidine and tyrosine. This variant is present in population databases (rs773732106, ExAC 0.01%). Algorithms developed to predict the effect of missense changes on protein structure and function (SIFT, PolyPhen-2, Align-GVGD) all suggest that this variant is likely to be tolerated, but these predictions have not been confirmed by published functional studies and their clinical significance is uncertain. In summary, the available evidence is currently insufficient to determine the role of this variant in disease. Therefore, it has been classified as a Variant of Uncertain Significance.

NM_024675.4(PALB2):c.247C>T (p.His83Tyr)

Gene: PALB2 (partner and localizer of BRCA2; minus strand). Cytogenetic location: 16p12.2.
Variant type: single nucleotide variant.
Coding change: c.247C>T on transcript NM_024675.4 (MANE Select); coding-DNA position 247, C replaced by T.
Protein change: p.His83Tyr; replaces histidine 83 with tyrosine.
Molecular consequence: missense variant.
Genome position (GRCh38, 1-based): chr16:23,636,299, G>A on the plus strand (C>T on the coding strand, the complement: PALB2 is on the minus strand). VCF-style: chr16-23636299-G-A. GRCh37 (hg19) VCF-style: chr16-23647620-G-A.
Other names: short protein forms H83Y.
Identifiers: ClinVar variation 952843 (VCV000952843.10), dbSNP rs773732106, ClinGen allele CA7963807.